The following is an entry in ClinVar:

ClinVar aggregate classification (germline): Uncertain significance (1 of 4 stars; one submission).

Allele frequency attached by ClinVar (database versions not stated): gnomAD exomes below 0.00001; gnomAD 0.00001.
gnomAD v4.1: 2 of 1,614,054 alleles (0.00012%); highest among the groups gnomAD compares: African/African-American, 0.0013%; no homozygotes.

Submission:

Labcorp Genetics (formerly Invitae), Labcorp
Classification: Uncertain significance. Last evaluated: 2024-09-10. Review status: criteria provided, single submitter. Criteria: Invitae Variant Classification Sherloc (09022015). Collection method: clinical testing. Allele origin: germline.
Comment: This sequence change replaces glycine, which is neutral and non-polar, with glutamic acid, which is acidic and polar, at codon 1789 of the CACNA1D protein (p.Gly1789Glu). This variant is present in population databases (no rsID available, gnomAD 0.01%). This variant has not been reported in the literature in individuals affected with CACNA1D-related conditions. ClinVar contains an entry for this variant (Variation ID: 1367546). An algorithm developed to predict the effect of missense changes on protein structure and function (PolyPhen-2) suggests that this variant is likely to be tolerated. In summary, the available evidence is currently insufficient to determine the role of this variant in disease. Therefore, it has been classified as a Variant of Uncertain Significance.

NM_001128840.3(CACNA1D):c.5306G>A (p.Gly1769Glu)

Gene: CACNA1D (calcium voltage-gated channel subunit alpha1 D; plus strand). Cytogenetic location: 3p21.1.
Variant type: single nucleotide variant.
Coding change: c.5306G>A on transcript NM_001128840.3 (MANE Select); coding-DNA position 5306, G replaced by A.
Protein change: p.Gly1769Glu; replaces glycine 1769 with glutamic acid.
Molecular consequence: missense variant.
Genome position (GRCh38, 1-based): chr3:53,801,323, G>A. VCF-style: chr3-53801323-G-A. GRCh37 (hg19) VCF-style: chr3-53835350-G-A.
Other names: c.5366G>A, p.Gly1789Glu (NM_000720.4); c.5261G>A, p.Gly1754Glu (NM_001128839.3); short protein forms G1754E, G1789E, G1769E.
Identifiers: ClinVar variation 1367546 (VCV001367546.8), dbSNP rs1205682038, ClinGen allele CA353251044.
Genomic context (GRCh38, chr3:53,801,323, plus strand): 5'-AAGTTCCCACCTCAACAAATGCCAATCTCAATAATGCCAATATGTCCAAAGCTGCCCATG[G>A]AAAGCGGCCCAGCATTGGGAACCTTGAGCATGTGTCTGAAAATGGGCATCATTCTTCCCA-3'
Protein context (NP_001122312.1, residues 1759-1779): NNANMSKAAH[Gly1769Glu]KRPSIGNLEH